The following is an entry in ClinVar:

NM_138711.6(PPARG):c.243A>G (p.Ala81=)

Gene: PPARG (peroxisome proliferator activated receptor gamma; plus strand). Cytogenetic location: 3p25.2.
Variant type: single nucleotide variant.
Coding change: c.243A>G on transcript NM_138711.6 (MANE Select); coding-DNA position 243, A replaced by G.
Protein change: p.Ala81=; no amino-acid change (alanine 81 retained).
Molecular consequence: synonymous variant. On other transcripts: 5 prime UTR variant (1).
Genome position (GRCh38, 1-based): chr3:12,381,344, A>G. VCF-style: chr3-12381344-A-G. GRCh37 (hg19) VCF-style: chr3-12422843-A-G.
Other names: c.243A>G, p.Ala81= (NM_001330615.4, NM_001354666.3, NM_001354667.3 and 6 more transcripts); c.333A>G, p.Ala111= (NM_001354668.2, NM_001374265.1, NM_015869.5); c.-185A>G (NM_001354669.2); c.249A>G, p.Ala83= (NM_001354670.2, NM_001374266.1).
Identifiers: ClinVar variation 3035411 (VCV003035411.2), dbSNP rs531436395, ClinGen allele CA2258139.

ClinVar aggregate classification (germline): Likely benign (0 of 4 stars; one submission).

Conditions:
PPARG-related disorder. Also called: PPARG-related condition; PPARG-related disorders.

Allele frequency attached by ClinVar (database versions not stated): gnomAD 0.00001; TOPMed 0.00001; ExAC 0.00002; 1000 Genomes Project 30x 0.00016; 1000 Genomes Project 0.00020.
gnomAD v4.1: 10 of 1,613,276 alleles (0.00062%); highest among the groups gnomAD compares: Admixed American, 0.0083%; no homozygotes.

Submission:

PreventionGenetics, part of Exact Sciences
Classification: Likely benign for PPARG-related condition. Last evaluated: 2023-07-03. Review status: no assertion criteria provided. Collection method: clinical testing. Allele origin: germline.
Comment: This variant is classified as likely benign based on ACMG/AMP sequence variant interpretation guidelines (Richards et al. 2015 PMID: 25741868, with internal and published modifications).